The following is an entry in ClinVar:

NM_007194.4(CHEK2):c.904G>A (p.Glu302Lys)

Gene: CHEK2 (checkpoint kinase 2; minus strand). Cytogenetic location: 22q12.1.
Variant type: single nucleotide variant.
Coding change: c.904G>A on transcript NM_007194.4 (MANE Select); coding-DNA position 904, G replaced by A.
Protein change: p.Glu302Lys; replaces glutamic acid 302 with lysine.
Molecular consequence: missense variant.
Genome position (GRCh38, 1-based): chr22:28,703,509, C>T on the plus strand (G>A on the coding strand, the complement: CHEK2 is on the minus strand). VCF-style: chr22-28703509-C-T. GRCh37 (hg19) VCF-style: chr22-29099497-C-T.
Other names: c.1033G>A, p.Glu345Lys (NM_001005735.3); c.241G>A, p.Glu81Lys (NM_001257387.3); c.703G>A, p.Glu235Lys (NM_001349956.3); c.904G>A, p.Glu302Lys (NM_145862.3); short protein forms E302K, E235K, E345K, E81K.
Identifiers: ClinVar variation 142430 (VCV000142430.40), dbSNP rs587782460, ClinGen allele CA168331.

ClinVar aggregate classification (germline): Conflicting classifications of pathogenicity. Review status: criteria provided, conflicting classifications (1 of 4 stars). 14 submissions from 14 submitters: Likely pathogenic (1); Uncertain significance (11). 2 of the submissions do not count toward it. Last evaluated 2026-01-28.

Conditions:
Predisposition to cancer.
CHEK2-related disorder.
Hereditary cancer-predisposing syndrome. Also called: Tumor predisposition; Neoplastic Syndromes, Hereditary; Hereditary neoplastic syndrome; Hereditary Cancer Syndrome. Identifiers: Orphanet 140162, MedGen C0027672, MeSH D009386, MONDO:0015356.
Familial cancer of breast. Also called: BREAST CANCER, FAMILIAL; Hereditary breast cancer; hereditary breast carcinoma. Identifiers: Orphanet 227535, MedGen C0346153, MONDO:0016419, OMIM 114480. Disease mechanism: loss of function.

Allele frequency attached by ClinVar (database versions not stated): gnomAD 0.00001 and 0.00002; TOPMed 0.00002.
gnomAD v4.1: 19 of 1,450,374 alleles (0.0013%); highest among the groups gnomAD compares: Admixed American, 0.0055%; no homozygotes.

Submissions 1 to 8 of 14:

Labcorp Genetics (formerly Invitae), Labcorp
Classification: Uncertain significance for Familial cancer of breast. Last evaluated: 2026-01-28. Review status: criteria provided, single submitter. Criteria: Invitae Variant Classification Sherloc (09022015). Collection method: clinical testing. Allele origin: germline.
Comment: This sequence change replaces glutamic acid, which is acidic and polar, with lysine, which is basic and polar, at codon 302 of the CHEK2 protein (p.Glu302Lys). This variant is not present in population databases (gnomAD no frequency). This missense change has been observed in individual(s) with breast or colorectal cancer (PMID: 32658311, 32885271, 35264596, 38061684). ClinVar contains an entry for this variant (Variation ID: 142430). An algorithm developed to predict the effect of missense changes on protein structure and function (PolyPhen-2) suggests that this variant is likely to be disruptive. Experimental studies are conflicting or provide insufficient evidence to determine the effect of this variant on CHEK2 function (PMID: 30851065, 37449874). In summary, the available evidence is currently insufficient to determine the role of this variant in disease. Therefore, it has been classified as a Variant of Uncertain Significance.

Ambry Genetics
Classification: Uncertain significance for Hereditary cancer-predisposing syndrome. Last evaluated: 2025-11-19. Review status: criteria provided, single submitter. Criteria: Ambry Variant Classification Scheme 2023. Collection method: clinical testing. Allele origin: germline.
Comment: The p.E302K variant (also known as c.904G>A), located in coding exon 7 of the CHEK2 gene, results from a G to A substitution at nucleotide position 904. The glutamic acid at codon 302 is replaced by lysine, an amino acid with similar properties. This alteration behaved as semi-functional in an in vivo, yeast-based growth rate assay (Delimitsou A et al. Hum Mutat, 2019 05;40:631-648). In addition, in a study assessing CHEK2-complementation through quantification of KAP1 phosphorylation and CHK2 autophosphorylation in human RPE1-CHEK2-knockout cells, this alteration demonstrated impaired function as assessed by KAP1 phosphorylation, but retained intermediate levels of functionality as assessed by CHK2 autophosphorylation (Stolarova L et al. Clin Cancer Res. 2023 Aug;29(16):3037-3050). This amino acid position is highly conserved in available vertebrate species. In addition, this alteration is predicted to be deleterious by in silico analysis. Based on the available evidence, the clinical significance of this variant remains unclear.

Women's Health and Genetics/Laboratory Corporation of America, LabCorp
Classification: Uncertain significance. Last evaluated: 2025-11-10. Review status: criteria provided, single submitter. Criteria: LabCorp Variant Classification Summary - May 2015. Collection method: clinical testing. Allele origin: germline.
Comment: Variant summary: CHEK2 c.904G>A (p.Glu302Lys) results in a conservative amino acid change located in the Protein kinase domain (IPR000719) of the encoded protein sequence. Algorithms developed to predict the effect of missense changes on protein structure and function are either unavailable or do not agree on the potential impact of this missense change. The frequency data for this variant in gnomAD is considered unreliable, as metrics indicate poor data quality at this position. c.904G>A has been reported in the literature as a VUS in settings of multigene panel testing among individuals affected with Breast Cancer and/or undergoing testing for Hereditary Cancer (example, Mu_2016, Delimitsou_2019, Guindalini_2022, de Oliveira_2022, Infante_2024). These report(s) do not provide unequivocal conclusions about association of the variant with Hereditary Breast And Ovarian Cancer Syndrome. At least one publication reports experimental evidence evaluating an impact on protein function in a yeast-based functional analysis (Delemitsou_2019). The most pronounced variant effect results in intermediate levels activity. The following publications have been ascertained in the context of this evaluation (PMID: 35643632, 30851065, 35264596, 27720647, 35534704, 38061684). ClinVar contains an entry for this variant (Variation ID: 142430). Based on the evidence outlined above, the variant was classified as uncertain significance.

PreventionGenetics, part of Exact Sciences
Classification: Uncertain significance for CHEK2-related condition. Last evaluated: 2025-10-01. Review status: criteria provided, single submitter. Criteria: ACMG Guidelines, 2015. Collection method: clinical testing. Allele origin: germline.
Comment: The CHEK2 c.904G>A variant is predicted to result in the amino acid substitution p.Glu302Lys. This variant has been reported in individuals with breast and colorectal cancers, and some functional studies support its pathogenicity (supplementary table 3, Guindalini et al. 2022. PubMed ID: 35264596; supplementary table 3, de Oliveira et al. 2022. PubMed ID: 35534704; supplementary table 1, Stolarova et al. 2023. PubMed ID: 37449874; supplementary figure S2, Delimitsou et al. 2019. PubMed ID: 30851065). This variant is reported in 0.005% of alleles in individuals of Admixed American descent in the v4.1.0 version of the gnomAD database. This variant has conflicting classifications of uncertain significance and likely pathogenic in ClinVar, with the majority of submissions favoring uncertain significance (Variation ID: 142430). At this time, the clinical significance of this variant is uncertain due to the absence of conclusive functional and genetic evidence.

GeneDx
Classification: Uncertain significance. Last evaluated: 2025-03-31. Review status: criteria provided, single submitter. Criteria: GeneDx Variant Classification Process June 2021. Collection method: clinical testing. Allele origin: germline. Affected: yes.
Comment: In silico analysis supports that this missense variant has a deleterious effect on protein structure/function; Published functional studies demonstrate intermediate results on a yeast-based assay (PMID: 30851065); Not observed at significant frequency in large population cohorts (gnomAD); This variant is associated with the following publications: (PMID: 33471991, 27720647, 30851065, 35264596, 38061684, 35534704, 22419737, 19782031)

Color Diagnostics, LLC DBA Color Health
Classification: Uncertain significance for Hereditary cancer-predisposing syndrome. Last evaluated: 2024-10-16. Review status: criteria provided, single submitter. Criteria: ACMG Guidelines, 2015. Collection method: clinical testing. Allele origin: germline.
Comment: This missense variant replaces glutamic acid with lysine at codon 302 of the CHEK2 protein. Computational prediction is inconclusive regarding the impact of this variant on protein structure and function. This variant has been shown to have intermediate impact on function in a yeast-based complementation assay, and intermediate impact on autophosphorylation and KAP1 phosphorylation in a mammalian cell complementation assay (PMID: 30851065, 37449874). This variant has been reported in individuals affected with breast cancer (PMID: 32658311, 32885271). In a large breast cancer case-control meta analysis conducted by the ENIGMA consortium, this variant was reported in 5/73048 cases and 2/88658 unaffected controls (PMID: 37449874). This variant has not been identified in the general population by the Genome Aggregation Database (gnomAD). The available evidence is insufficient to determine the role of this variant in disease conclusively. Therefore, this variant is classified as a Variant of Uncertain Significance.

Myriad Genetics, Inc.
Classification: Likely pathogenic for Familial cancer of breast. Last evaluated: 2024-10-10. Review status: criteria provided, single submitter. Criteria: Myriad Autosomal Dominant, Autosomal Recessive and X-Linked Classification Criteria (2023). Collection method: clinical testing. Allele origin: unknown.
Comment: This variant is considered likely pathogenic based on an internal history weighting algorithm that has been validated and shown to have greater than 99.5% positive and negative predictive values [PMID: 25085752]. The algorithm shows this variant is strongly associated with more severe personal and family histories of cancer, typical for individuals with pathogenic variants in CHEK2. Curve available upon request.

Quest Diagnostics Nichols Institute San Juan Capistrano
Classification: Uncertain significance. Last evaluated: 2024-06-26. Review status: criteria provided, single submitter. Criteria: Quest Diagnostics criteria. Collection method: clinical testing. Allele origin: unknown.
Comment: The CHEK2 c.904G>A (p.Glu302Lys) variant has been reported in the published literature in individuals with breast cancer (PMID: 35264596 (2022), 32885271 (2021), 32658311 (2021)), an individual with a family history of breast and ovarian cancer (PMID: 35534704 (2022)), and in individuals undergoing hereditary cancer testing (PMID: 27720647 (2016)). Functional studies demonstrated that this variant has an inconclusive effect on protein function (PMID: 37449874 (2023), 35643632 (2022), 30851065 (2019)). The frequency of this variant in the general population, 0.00002 (3/152052 chromosomes (Genome Aggregation Database)), is uninformative in the assessment of its pathogenicity. Analysis of this variant using bioinformatics tools for the prediction of the effect of amino acid changes on protein structure and function yielded predictions that this variant is damaging. Based on the available information, we are unable to determine the clinical significance of this variant.